The following is an entry in ClinVar:

ClinVar aggregate classification (germline): Uncertain significance. Review status: criteria provided, multiple submitters, no conflicts (2 of 4 stars). 2 submissions from 2 submitters: Uncertain significance (2). Last evaluated 2025-09-15.

Conditions:
EAST syndrome (SESAMES). Also called: SEIZURES, SENSORINEURAL DEAFNESS, ATAXIA, IMPAIRED INTELLECTUAL DEVELOPMENT, AND ELECTROLYTE IMBALANCE. Identifiers: Orphanet 199343, MedGen C2748572, MONDO:0013005, OMIM 612780.

Allele frequency attached by ClinVar (database versions not stated): gnomAD exomes below 0.00001.
gnomAD v4.1: 5 of 1,614,186 alleles (0.00031%); highest among the groups gnomAD compares: African/African-American, 0.0013%; no homozygotes.

Submissions (2):

Labcorp Genetics (formerly Invitae), Labcorp
Classification: Uncertain significance for EAST syndrome. Last evaluated: 2025-09-15. Review status: criteria provided, single submitter. Criteria: Invitae Variant Classification Sherloc (09022015). Collection method: clinical testing. Allele origin: germline.
Comment: This sequence change replaces isoleucine, which is neutral and non-polar, with threonine, which is neutral and polar, at codon 324 of the KCNJ10 protein (p.Ile324Thr). This variant is present in population databases (no rsID available, gnomAD 0.0009%). This variant has not been reported in the literature in individuals affected with KCNJ10-related conditions. ClinVar contains an entry for this variant (Variation ID: 2106929). Invitae Evidence Modeling of protein sequence and biophysical properties (such as structural, functional, and spatial information, amino acid conservation, physicochemical variation, residue mobility, and thermodynamic stability) indicates that this missense variant is not expected to disrupt KCNJ10 protein function with a negative predictive value of 95%. In summary, the available evidence is currently insufficient to determine the role of this variant in disease. Therefore, it has been classified as a Variant of Uncertain Significance.

Blueprint Genetics
Classification: Uncertain significance. Last evaluated: 2020-06-24. Review status: criteria provided, single submitter. Criteria: ACMG Guidelines, 2015. Collection method: clinical testing. Allele origin: germline.

NM_002241.5(KCNJ10):c.971T>C (p.Ile324Thr)

Gene: KCNJ10 (potassium inwardly rectifying channel subfamily J member 10; minus strand). Cytogenetic location: 1q23.2.
Variant type: single nucleotide variant.
Coding change: c.971T>C on transcript NM_002241.5 (MANE Select); coding-DNA position 971, T replaced by C.
Protein change: p.Ile324Thr; replaces isoleucine 324 with threonine.
Molecular consequence: missense variant.
Genome position (GRCh38, 1-based): chr1:160,041,562, A>G on the plus strand (T>C on the coding strand, the complement: KCNJ10 is on the minus strand). VCF-style: chr1-160041562-A-G. GRCh37 (hg19) VCF-style: chr1-160011352-A-G.
Other names: short protein forms I324T.
Identifiers: ClinVar variation 2106929 (VCV002106929.5), dbSNP rs1170710028, ClinGen allele CA343223214.